The following is an entry in ClinVar:

NM_000308.4(CTSA):c.1088+10C>T

Gene: CTSA (cathepsin A; plus strand). Cytogenetic location: 20q13.12.
Variant type: single nucleotide variant.
Coding change: c.1088+10C>T on transcript NM_000308.4 (MANE Select); 10 bases into the intron after coding-DNA position 1088, C replaced by T.
Molecular consequence: intron variant.
Genome position (GRCh38, 1-based): chr20:45,895,143, C>T. VCF-style: chr20-45895143-C-T. GRCh37 (hg19) VCF-style: chr20-44523782-C-T.
Other names: c.1088+10C>T (NM_001127695.3); c.1037+10C>T (NM_001167594.3).
Identifiers: ClinVar variation 338538 (VCV000338538.25), dbSNP rs4608591, ClinGen allele CA9883270.

ClinVar aggregate classification (germline): Benign. Review status: criteria provided, multiple submitters, no conflicts (2 of 4 stars). 7 submissions from 7 submitters: Benign (6). 1 of the submissions does not count toward it. Last evaluated 2026-02-04.

Conditions:
Combined deficiency of sialidase AND beta galactosidase (GSL). Also called: PPCA DEFICIENCY; PROTECTIVE PROTEIN/CATHEPSIN A DEFICIENCY; CATHEPSIN A DEFICIENCY; Galactosialidosis; GOLDBERG SYNDROME; NEURAMINIDASE DEFICIENCY WITH BETA-GALACTOSIDASE DEFICIENCY. Identifiers: Orphanet 351, MedGen C0268233, MONDO:0009737, OMIM 256540.

Allele frequency attached by ClinVar (database versions not stated): 1000 Genomes Project 0.67991; ESP Exome Variant Server 0.63663; gnomAD exomes 0.64635 and 0.66472; gnomAD 0.65654 and 0.65852; TOPMed 0.65750; ExAC 0.66076; 1000 Genomes Project 30x 0.67911.
gnomAD v4.1: 1,044,111 of 1,613,544 alleles (65%); highest among the groups gnomAD compares: Admixed American, 76%; 339,194 homozygotes.

Submissions (7):

Labcorp Genetics (formerly Invitae), Labcorp
Classification: Benign for Combined deficiency of sialidase AND beta galactosidase. Last evaluated: 2026-02-04. Review status: criteria provided, single submitter. Criteria: Invitae Variant Classification Sherloc (09022015). Collection method: clinical testing. Allele origin: germline.

Genome-Nilou Lab
Classification: Benign for Combined deficiency of sialidase AND beta galactosidase. Last evaluated: 2021-07-30. Review status: criteria provided, single submitter. Criteria: ACMG Guidelines, 2015. Collection method: clinical testing. Allele origin: germline. Affected: no.

GeneDx
Classification: Benign. Last evaluated: 2018-06-19. Review status: criteria provided, single submitter. Criteria: GeneDx Variant Classification (06012015). Collection method: clinical testing. Allele origin: germline. Affected: yes.
Comment: This variant is considered likely benign or benign based on one or more of the following criteria: it is a conservative change, it occurs at a poorly conserved position in the protein, it is predicted to be benign by multiple in silico algorithms, and/or has population frequency not consistent with disease.

Illumina Laboratory Services, Illumina
Classification: Benign for Combined deficiency of sialidase AND beta galactosidase. Last evaluated: 2018-01-12. Review status: criteria provided, single submitter. Criteria: ICSL Variant Classification Criteria 13 December 2019. Collection method: clinical testing. Allele origin: germline.
Comment: This variant was observed in the ICSL laboratory as part of a predisposition screen in an ostensibly healthy population. It had not been previously curated by ICSL or reported in the Human Gene Mutation Database (HGMD: prior to June 1st, 2018), and was therefore a candidate for classification through an automated scoring system. Utilizing variant allele frequency, disease prevalence and penetrance estimates, and inheritance mode, an automated score was calculated to assess if this variant is too frequent to cause the disease. Based on the score and internal cut-off values, a variant classified as benign is not then subjected to further curation. The score for this variant resulted in a classification of benign for this disease.

Laboratory for Molecular Medicine, Mass General Brigham Personalized Medicine
Classification: Benign. Last evaluated: 2016-03-28. Review status: criteria provided, single submitter. Criteria: LMM Criteria. Collection method: clinical testing. Allele origin: germline.
Comment: Variant identified in a genome or exome case(s) and assessed due to predicted null impact of the variant or pathogenic assertions in the literature or databases. Disclaimer: This variant has not undergone full assessment. The following are preliminary notes: 66% of total chromosomes in ExAC

Breakthrough Genomics
Classification: Benign. Review status: criteria provided, single submitter. Criteria: ACMG Guidelines, 2015. Collection method: not provided. Allele origin: germline. Inheritance: Autosomal recessive inheritance. Affected: yes.

Mayo Clinic Laboratories, Mayo Clinic
Classification: Benign. Last evaluated: 2015-10-19. Review status: no assertion criteria provided. Collection method: clinical testing. Allele origin: unknown. Not counted in ClinVar's aggregate classification.